The following is an entry in ClinVar:

ClinVar aggregate classification (germline): Uncertain significance. Review status: criteria provided, multiple submitters, no conflicts (2 of 4 stars). 3 submissions from 3 submitters: Uncertain significance (3). Last evaluated 2025-12-10.

Conditions:
Inborn genetic diseases. Identifiers: MedGen C0950123, MeSH D030342.

Allele frequency attached by ClinVar (database versions not stated): TOPMed 0.00007.
gnomAD v4.1: 26 of 1,613,968 alleles (0.0016%); highest among the groups gnomAD compares: Admixed American, 0.022%; no homozygotes.

Submissions (3):

Dasa
Classification: Uncertain significance. Last evaluated: 2025-12-10. Review status: criteria provided, single submitter. Criteria: DASA Assertion Criteria. Collection method: clinical testing. Allele origin: germline.
Comment: NM_017654.4(SAMD9):c.679A>G (p.Met227Val) is a missense variant that results in the substitution of methionine with valine. This variant is rare in population databases. The currently available literature and clinical evidence are not sufficient to establish a definitive association between this variant and the reported condition. Therefore, this variant is classified as a variant of uncertain significance.

Labcorp Genetics (formerly Invitae), Labcorp
Classification: Uncertain significance. Last evaluated: 2025-10-18. Review status: criteria provided, single submitter. Criteria: Invitae Variant Classification Sherloc (09022015). Collection method: clinical testing. Allele origin: germline.
Comment: This sequence change replaces methionine, which is neutral and non-polar, with valine, which is neutral and non-polar, at codon 227 of the SAMD9 protein (p.Met227Val). This variant is present in population databases (no rsID available, gnomAD 0.01%). This variant has not been reported in the literature in individuals affected with SAMD9-related conditions. ClinVar contains an entry for this variant (Variation ID: 1469471). Invitae Evidence Modeling of protein sequence and biophysical properties (such as structural, functional, and spatial information, amino acid conservation, physicochemical variation, residue mobility, and thermodynamic stability) has been performed for this missense variant. However, the output from this modeling did not meet the statistical confidence thresholds required to predict the impact of this variant on SAMD9 protein function. In summary, the available evidence is currently insufficient to determine the role of this variant in disease. Therefore, it has been classified as a Variant of Uncertain Significance.

Ambry Genetics
Classification: Uncertain significance for Inborn genetic diseases. Last evaluated: 2024-11-20. Review status: criteria provided, single submitter. Criteria: Ambry Variant Classification Scheme 2023. Collection method: clinical testing. Allele origin: germline.
Comment: The p.M227V variant (also known as c.679A>G), located in coding exon 1 of the SAMD9 gene, results from an A to G substitution at nucleotide position 679. The methionine at codon 227 is replaced by valine, an amino acid with highly similar properties. This amino acid position is conserved. In addition, this alteration is predicted to be tolerated by in silico analysis. Based on the available evidence, the clinical significance of this variant remains unclear.

NM_017654.4(SAMD9):c.679A>G (p.Met227Val)

Gene: SAMD9 (sterile alpha motif domain containing 9; minus strand). Cytogenetic location: 7q21.2.
Variant type: single nucleotide variant.
Coding change: c.679A>G on transcript NM_017654.4 (MANE Select); coding-DNA position 679, A replaced by G.
Protein change: p.Met227Val; replaces methionine 227 with valine.
Molecular consequence: missense variant.
Genome position (GRCh38, 1-based): chr7:93,105,419, T>C on the plus strand (A>G on the coding strand, the complement: SAMD9 is on the minus strand). VCF-style: chr7-93105419-T-C. GRCh37 (hg19) VCF-style: chr7-92734732-T-C.
Other names: c.679A>G (NM_017654.3); c.679A>G, p.Met227Val (NM_001193307.2); short protein forms M227V.
Identifiers: ClinVar variation 1469471 (VCV001469471.7), dbSNP rs943356283, ClinGen allele CA161994483.
Genomic context (GRCh38, chr7:93,105,419, plus strand): 5'-TTTTCCCATGGGGTTTGTCTTTGACTCCAAAATGAATAGTGCCATTGGTACGTGAATTCA[T>C]ACAAGCTGAAGCAAATCGGAAAACCTCATTGCTAAATTTCATCTTGACATCCTCTTCTGT-3'
Protein context (NP_060124.2, residues 217-237): NEVFRFASAC[Met227Val]NSRTNGTIHF